The following is an entry in ClinVar:

NM_001110219.3(GJB6):c.31G>C (p.Gly11Arg)

Gene: GJB6 (gap junction protein beta 6; minus strand). Cytogenetic location: 13q12.11.
Variant type: single nucleotide variant.
Coding change: c.31G>C on transcript NM_001110219.3 (MANE Select); coding-DNA position 31, G replaced by C.
Protein change: p.Gly11Arg; replaces glycine 11 with arginine.
Molecular consequence: missense variant.
Genome position (GRCh38, 1-based): chr13:20,223,450, C>G on the plus strand (G>C on the coding strand, the complement: GJB6 is on the minus strand). VCF-style: chr13-20223450-C-G. GRCh37 (hg19) VCF-style: chr13-20797589-C-G.
Other names: c.31G>C, p.Gly11Arg (NM_001370091.1, NM_001370092.1, NM_006783.5 and 3 more transcripts); short protein forms G11R.
Identifiers: ClinVar variation 4783767 (VCV004783767.1).

ClinVar aggregate classification (germline): Pathogenic (1 of 4 stars; one submission).

Conditions:
Autosomal dominant nonsyndromic hearing loss 3B. Identifiers: Orphanet 90635, MedGen C2675237, MONDO:0012975, OMIM 612643.
Autosomal recessive nonsyndromic hearing loss 1A (DFNB1A). Also called: Connexin 26 deafness; Deafness nonsyndromic, Connexin 26 linked; GJB6-Related DFNB 1 Nonsyndromic Hearing Loss and Deafness; Deafness, autosomal recessive 1A; Nonsyndromic Hearing Loss and Deafness, DFNB1; GJB2-Related Autosomal Recessive Nonsyndromic Hearing Loss. Identifiers: Orphanet 90636, MedGen C2673759, MONDO:0009076, OMIM 220290.
Hidrotic ectodermal dysplasia syndrome (GJB6). Also called: CLOUSTON HIDROTIC ECTODERMAL DYSPLASIA; Ectodermal dysplasia 2, hidrotic; Autosomal dominant hidrotic ectodermal dysplasia; Clouston syndrome; Clouston's hidrotic ectodermal dysplasia; ECTODERMAL DYSPLASIA 2, CLOUSTON TYPE. Identifiers: Orphanet 189, MedGen C0162361, MONDO:0007510, OMIM 129500.
Autosomal recessive nonsyndromic hearing loss 1B. Also called: DEAFNESS, AUTOSOMAL RECESSIVE 1B. Identifiers: Orphanet 90636, MedGen C2675235, MONDO:0012977, OMIM 612645.

Submission:

Labcorp Genetics (formerly Invitae), Labcorp
Classification: Pathogenic for Autosomal dominant nonsyndromic hearing loss 3B; Hidrotic ectodermal dysplasia syndrome; Autosomal recessive nonsyndromic hearing loss 1B; Autosomal recessive nonsyndromic hearing loss 1A. Last evaluated: 2025-11-13. Review status: criteria provided, single submitter. Criteria: Invitae Variant Classification Sherloc (09022015). Collection method: clinical testing. Allele origin: germline.
Comment: This sequence change replaces glycine, which is neutral and non-polar, with arginine, which is basic and polar, at codon 11 of the GJB6 protein (p.Gly11Arg). This variant is not present in population databases (gnomAD no frequency). This missense change has been observed in individual(s) with ectodermal dysplasia (PMID: 11017065, 12788524, 23926005, 23981984, 24514865, 25575739, 26551294, 27817781). It has also been observed to segregate with disease in related individuals. Invitae Evidence Modeling of protein sequence and biophysical properties (such as structural, functional, and spatial information, amino acid conservation, physicochemical variation, residue mobility, and thermodynamic stability) indicates that this missense variant is not expected to disrupt GJB6 protein function with a negative predictive value of 80%. Experimental studies have shown that this missense change affects GJB6 function (PMID: 12419304, 15213106, 15769851). For these reasons, this variant has been classified as Pathogenic.

Literature cited by the submitters: PubMed 11017065; PubMed 12788524; PubMed 23926005; PubMed 23981984; PubMed 24514865; PubMed 25575739; PubMed 26551294; PubMed 27817781; PubMed 12419304; PubMed 15213106; PubMed 15769851.